The following is an entry in ClinVar:

ClinVar aggregate classification (germline): Likely pathogenic (1 of 4 stars; one submission).

Conditions:
Biotinidase deficiency. Also called: BTD deficiency; Late-onset biotin-responsive multiple carboxylase deficiency; Biotin deficiency. Identifiers: Orphanet 79241, MedGen C0220754, MONDO:0009665, OMIM 253260.

Allele frequency attached by ClinVar (database versions not stated): gnomAD exomes below 0.00001.
gnomAD v4.1: 1 of 1,614,214 alleles (0.000062%); highest among the groups gnomAD compares: Non-Finnish European, 0.000085%; no homozygotes.

Submission:

Myriad Genetics, Inc.
Classification: Likely pathogenic for Biotinidase deficiency. Last evaluated: 2021-12-30. Review status: criteria provided, single submitter. Criteria: Myriad Women's Health Autosomal Recessive and X-Linked Classification Criteria (2021). Collection method: clinical testing. Allele origin: unknown.
Comment: NM_000060.2(BTD):c.280G>T(E94*) is expected to be pathogenic in the context of biotinidase deficiency. This variant is predicted to lead to an abnormal or absent protein product due to the creation of a premature termination codon in BTD, a gene where loss-of-function variants are known to be pathogenic. Please note: this variant was assessed in the context of healthy population screening.

NM_001370658.1(BTD):c.220G>T (p.Glu74Ter)

Gene: BTD (biotinidase; plus strand). Cytogenetic location: 3p25.1.
Variant type: single nucleotide variant.
Coding change: c.220G>T on transcript NM_001370658.1 (MANE Select); coding-DNA position 220, G replaced by T.
Protein change: p.Glu74Ter; replaces glutamic acid 74 with a stop codon.
Molecular consequence: nonsense.
Genome position (GRCh38, 1-based): chr3:15,635,659, G>T. VCF-style: chr3-15635659-G-T. GRCh37 (hg19) VCF-style: chr3-15677166-G-T.
Other names: c.280G>T, p.Glu94Ter (NM_000060.4); c.220G>T, p.Glu74Ter (NM_001281723.4, NM_001281724.3, NM_001281725.3 and 37 more transcripts); short protein forms E74*, E94*.
Identifiers: ClinVar variation 1726713 (VCV001726713.2), dbSNP rs2065328619, ClinGen allele CA351604070.